The following is an entry in ClinVar:

ClinVar aggregate classification (germline): Uncertain significance. Review status: criteria provided, multiple submitters, no conflicts (2 of 4 stars). 2 submissions from 2 submitters: Uncertain significance (2). Last evaluated 2025-09-26.

Conditions:
Inborn genetic diseases. Identifiers: MedGen C0950123, MeSH D030342.

Allele frequency attached by ClinVar (database versions not stated): TOPMed below 0.00001.
gnomAD v4.1: 1 of 1,614,000 alleles (0.000062%); highest among the groups gnomAD compares: Non-Finnish European, 0.000085%; no homozygotes.

Submissions (2):

Labcorp Genetics (formerly Invitae), Labcorp
Classification: Uncertain significance. Last evaluated: 2025-09-26. Review status: criteria provided, single submitter. Criteria: Invitae Variant Classification Sherloc (09022015). Collection method: clinical testing. Allele origin: germline.
Comment: This sequence change replaces arginine, which is basic and polar, with glutamine, which is neutral and polar, at codon 67 of the FN1 protein (p.Arg67Gln). This variant is present in population databases (rs762910841, gnomAD 0.006%). This variant has not been reported in the literature in individuals affected with FN1-related conditions. ClinVar contains an entry for this variant (Variation ID: 2229053). An algorithm developed to predict the effect of missense changes on protein structure and function (PolyPhen-2) suggests that this variant is likely to be disruptive. In summary, the available evidence is currently insufficient to determine the role of this variant in disease. Therefore, it has been classified as a Variant of Uncertain Significance.

Ambry Genetics
Classification: Uncertain significance for Inborn genetic diseases. Last evaluated: 2022-04-06. Review status: criteria provided, single submitter. Criteria: Ambry Variant Classification Scheme 2023. Collection method: clinical testing. Allele origin: germline.

NM_212482.4(FN1):c.200G>A (p.Arg67Gln)

Gene: FN1 (fibronectin 1; minus strand). Cytogenetic location: 2q35.
Variant type: single nucleotide variant.
Coding change: c.200G>A on transcript NM_212482.4 (MANE Select); coding-DNA position 200, G replaced by A.
Protein change: p.Arg67Gln; replaces arginine 67 with glutamine.
Molecular consequence: missense variant.
Genome position (GRCh38, 1-based): chr2:215,434,773, C>T on the plus strand (G>A on the coding strand, the complement: FN1 is on the minus strand). VCF-style: chr2-215434773-C-T. GRCh37 (hg19) VCF-style: chr2-216299496-C-T.
Other names: c.200G>A, p.Arg67Gln (NM_001306129.2, NM_001306130.2, NM_001306131.2 and 14 more transcripts); short protein forms R67Q.
Identifiers: ClinVar variation 2229053 (VCV002229053.3), dbSNP rs762910841, ClinGen allele CA64839471.